The following is an entry in ClinVar:

ClinVar aggregate classification (germline): Likely pathogenic (1 of 4 stars; one submission).

Conditions:
SATB2-related disorder. Also called: SATB2-related condition.

Submission:

PreventionGenetics, part of Exact Sciences
Classification: Likely pathogenic for SATB2-related condition. Last evaluated: 2023-01-11. Review status: criteria provided, single submitter. Criteria: ACMG Guidelines, 2015. Collection method: clinical testing. Allele origin: germline.
Comment: The SATB2 c.1175G>T variant is predicted to result in the amino acid substitution p.Gly392Val. To our knowledge, this variant has not been reported in the literature or in a large population database, indicating this variant is rare. Different missense substitutions impacting the same amino acid (p.Gly392Glu, p.Gly392Arg) have been reported to occur de novo or to have been inherited from a mosaic parent in patients with SATB2-associated syndrome (for example, see Zarate et al. 2019. PubMed ID: 31021519; Zarate et al. 2018. PubMed ID: 29436146). This variant is interpreted as likely pathogenic.

NM_001172509.2(SATB2):c.1175G>T (p.Gly392Val)

Gene: SATB2 (SATB homeobox 2; minus strand). Cytogenetic location: 2q33.1.
Variant type: single nucleotide variant.
Coding change: c.1175G>T on transcript NM_001172509.2 (MANE Select); coding-DNA position 1175, G replaced by T.
Protein change: p.Gly392Val; replaces glycine 392 with valine.
Molecular consequence: missense variant.
Genome position (GRCh38, 1-based): chr2:199,328,909, C>A on the plus strand (G>T on the coding strand, the complement: SATB2 is on the minus strand). VCF-style: chr2-199328909-C-A. GRCh37 (hg19) VCF-style: chr2-200193632-C-A.
Other names: c.1175G>T, p.Gly392Val (NM_001172517.1, NM_015265.4); short protein forms G392V.
Identifiers: ClinVar variation 2635127 (VCV002635127.1), dbSNP rs1085308028, ClinGen allele CA350386589.